The following is an entry in ClinVar:

NM_001561.6(TNFRSF9):c.100+5G>A

Gene: TNFRSF9 (TNF receptor superfamily member 9; minus strand). Cytogenetic location: 1p36.23.
Variant type: single nucleotide variant.
Coding change: c.100+5G>A on transcript NM_001561.6 (MANE Select); 5 bases into the intron after coding-DNA position 100, G replaced by A.
Molecular consequence: intron variant.
Genome position (GRCh38, 1-based): chr1:7,939,890, C>T on the plus strand (G>A on the coding strand, the complement: TNFRSF9 is on the minus strand). VCF-style: chr1-7939890-C-T. GRCh37 (hg19) VCF-style: chr1-7999950-C-T.
Identifiers: ClinVar variation 1975993 (VCV001975993.5), dbSNP rs773125491, ClinGen allele CA569354.

ClinVar aggregate classification (germline): Uncertain significance (1 of 4 stars; one submission).

Allele frequency attached by ClinVar (database versions not stated): gnomAD exomes below 0.00001; ExAC 0.00001.
gnomAD v4.1: 1 of 1,591,238 alleles (0.000063%); highest among the groups gnomAD compares: Non-Finnish European, 0.000086%; no homozygotes.

Submission:

Labcorp Genetics (formerly Invitae), Labcorp
Classification: Uncertain significance. Last evaluated: 2024-02-24. Review status: criteria provided, single submitter. Criteria: Invitae Variant Classification Sherloc (09022015). Collection method: clinical testing. Allele origin: germline.
Comment: This sequence change falls in intron 3 of the TNFRSF9 gene. It does not directly change the encoded amino acid sequence of the TNFRSF9 protein. It affects a nucleotide within the consensus splice site. This variant is present in population databases (rs773125491, gnomAD 0.0009%). This variant has not been reported in the literature in individuals affected with TNFRSF9-related conditions. ClinVar contains an entry for this variant (Variation ID: 1975993). Variants that disrupt the consensus splice site are a relatively common cause of aberrant splicing (PMID: 17576681, 9536098). Algorithms developed to predict the effect of sequence changes on RNA splicing suggest that this variant may disrupt the consensus splice site. In summary, the available evidence is currently insufficient to determine the role of this variant in disease. Therefore, it has been classified as a Variant of Uncertain Significance.

Literature cited by the submitters: PubMed 17576681; PubMed 9536098.